The following is an entry in ClinVar:

ClinVar aggregate classification (germline): Uncertain significance (1 of 4 stars; one submission).

Submission:

Centre of Medical Genetics, University Hospital Muenster
Classification: Uncertain significance. Last evaluated: 2023-04-19. Review status: criteria provided, single submitter. Criteria: ACMG Guidelines, 2015. Collection method: clinical testing. Allele origin: unknown. Affected: yes. Observed: 1 variant allele.
Comment: ACMG categories: PM2

NM_139058.3(ARX):c.96C>G (p.Ile32Met)

Gene: ARX (aristaless related homeobox; minus strand). Cytogenetic location: Xp21.3.
Variant type: single nucleotide variant.
Coding change: c.96C>G on transcript NM_139058.3 (MANE Select); coding-DNA position 96, C replaced by G.
Protein change: p.Ile32Met; replaces isoleucine 32 with methionine.
Molecular consequence: missense variant.
Genome position (GRCh38, 1-based): chrX:25,015,642, G>C on the plus strand (C>G on the coding strand, the complement: ARX is on the minus strand). VCF-style: chrX-25015642-G-C. GRCh37 (hg19) VCF-style: chrX-25033759-G-C.
Other names: short protein forms I32M.
Identifiers: ClinVar variation 2504160 (VCV002504160.2), dbSNP rs2519109248, ClinGen allele CA412613903.